The following is an entry in ClinVar:

NM_007289.4(MME):c.46C>T (p.Pro16Ser)

Gene: MME (membrane metalloendopeptidase; plus strand). Cytogenetic location: 3q25.2.
Variant type: single nucleotide variant.
Coding change: c.46C>T on transcript NM_007289.4 (MANE Select); coding-DNA position 46, C replaced by T.
Protein change: p.Pro16Ser; replaces proline 16 with serine.
Molecular consequence: missense variant.
Genome position (GRCh38, 1-based): chr3:155,084,213, C>T. VCF-style: chr3-155084213-C-T. GRCh37 (hg19) VCF-style: chr3-154802002-C-T.
Other names: c.46C>T, p.Pro16Ser (NM_000902.5, NM_001354642.2, NM_001354643.1 and 3 more transcripts); short protein forms P16S.
Identifiers: ClinVar variation 4625079 (VCV004625079.1).
Genomic context (GRCh38, chr3:155,084,213, plus strand): 5'-TGCAGATTTTAGGTGATGGGCAAGTCAGAAAGTCAGATGGATATAACTGATATCAACACT[C>T]CAAAGCCAAAGAAGAAACAGCGATGGACTCCACTGGAGATCAGCCTCTCGGTCCTTGTCC-3'
Protein context (NP_009220.2, residues 6-26): SQMDITDINT[Pro16Ser]KPKKKQRWTP

ClinVar aggregate classification (germline): Uncertain significance (1 of 4 stars; one submission).

Conditions:
Inborn genetic diseases. Identifiers: MedGen C0950123, MeSH D030342.

gnomAD v4.1: 1 of 1,613,954 alleles (0.000062%); highest among the groups gnomAD compares: Admixed American, 0.0017%; no homozygotes.

Submission:

Ambry Genetics
Classification: Uncertain significance for Inborn genetic diseases. Last evaluated: 2025-10-14. Review status: criteria provided, single submitter. Criteria: Ambry Variant Classification Scheme 2023. Collection method: clinical testing. Allele origin: germline.
Comment: The c.46C>T (p.P16S) alteration is located in exon 2 (coding exon 1) of the MME gene. This alteration results from a C to T substitution at nucleotide position 46, causing the proline (P) at amino acid position 16 to be replaced by a serine (S). Based on data from gnomAD, the T allele has an overall frequency of 0.003% (1/31402) total alleles studied. The highest observed frequency was 0.118% (1/848) of Latino alleles. Based on insufficient or conflicting evidence, the clinical significance of this alteration remains unclear.